The following is an entry in ClinVar:

NM_000532.5(PCCB):c.988T>G (p.Phe330Val)

Gene: PCCB (propionyl-CoA carboxylase subunit beta; plus strand). Cytogenetic location: 3q22.3.
Variant type: single nucleotide variant.
Coding change: c.988T>G on transcript NM_000532.5 (MANE Select); coding-DNA position 988, T replaced by G.
Protein change: p.Phe330Val; replaces phenylalanine 330 with valine.
Molecular consequence: missense variant.
Genome position (GRCh38, 1-based): chr3:136,316,962, T>G. VCF-style: chr3-136316962-T-G. GRCh37 (hg19) VCF-style: chr3-136035804-T-G.
Other names: c.1048T>G, p.Phe350Val (NM_001178014.2); short protein forms F330V, F350V.
Identifiers: ClinVar variation 653691 (VCV000653691.7), dbSNP rs748708704, ClinGen allele CA2631978.

ClinVar aggregate classification (germline): Uncertain significance. Review status: criteria provided, multiple submitters, no conflicts (2 of 4 stars). 5 submissions from 5 submitters: Uncertain significance (4). 1 of the submissions does not count toward it. Last evaluated 2026-05-21.

Conditions:
Inborn genetic diseases. Identifiers: MedGen C0950123, MeSH D030342.
Propionic acidemia (PROP). Also called: GLYCINEMIA, KETOTIC; HYPERGLYCINEMIA WITH KETOACIDOSIS AND LEUKOPENIA; KETOTIC HYPERGLYCINEMIA. Identifiers: Orphanet 35, MedGen C0268579, MONDO:0011628, OMIM 606054, HP:0003571.

Allele frequency attached by ClinVar (database versions not stated): ExAC 0.00001; gnomAD 0.00003; TOPMed 0.00003; gnomAD exomes 0.00006.
gnomAD v4.1: 51 of 1,614,020 alleles (0.0032%); highest among the groups gnomAD compares: Admixed American, 0.015%; no homozygotes.

Submissions (5):

Myriad Genetics, Inc.
Classification: Uncertain significance for Propionic acidemia. Last evaluated: 2026-05-21. Review status: criteria provided, single submitter. Criteria: Myriad Autosomal Dominant, Autosomal Recessive and X-Linked Classification Criteria (2023). Collection method: clinical testing. Allele origin: unknown.
Comment: NM_000532.4(PCCB):c.988T>G(F330V) is a missense variant classified as a variant of uncertain significance in the context of PCCB-related propionic acidemia. F330V has not been observed in cases with relevant disease. Relevant functional assessments of this variant are not available in the literature. F330V has been observed in referenced population frequency databases. In summary, there is insufficient evidence to classify NM_000532.4(PCCB):c.988T>G(F330V) as pathogenic or benign. Please note: this variant was assessed in the context of healthy population screening.

Ambry Genetics
Classification: Uncertain significance for Inborn genetic diseases. Last evaluated: 2025-09-11. Review status: criteria provided, single submitter. Criteria: Ambry Variant Classification Scheme 2023. Collection method: clinical testing. Allele origin: germline.

GeneDx
Classification: Uncertain significance. Last evaluated: 2024-03-01. Review status: criteria provided, single submitter. Criteria: GeneDx Variant Classification Process June 2021. Collection method: clinical testing. Allele origin: germline. Affected: yes.
Comment: In silico analysis supports that this missense variant has a deleterious effect on protein structure/function; Has not been previously published as pathogenic or benign to our knowledge

Labcorp Genetics (formerly Invitae), Labcorp
Classification: Uncertain significance for Propionic acidemia. Last evaluated: 2022-03-18. Review status: criteria provided, single submitter. Criteria: Invitae Variant Classification Sherloc (09022015). Collection method: clinical testing. Allele origin: germline.
Comment: This sequence change replaces phenylalanine, which is neutral and non-polar, with valine, which is neutral and non-polar, at codon 330 of the PCCB protein (p.Phe330Val). This variant is present in population databases (rs748708704, gnomAD 0.02%). This variant has not been reported in the literature in individuals affected with PCCB-related conditions. ClinVar contains an entry for this variant (Variation ID: 653691). Advanced modeling of protein sequence and biophysical properties (such as structural, functional, and spatial information, amino acid conservation, physicochemical variation, residue mobility, and thermodynamic stability) performed at Invitae indicates that this missense variant is expected to disrupt PCCB protein function. In summary, the available evidence is currently insufficient to determine the role of this variant in disease. Therefore, it has been classified as a Variant of Uncertain Significance.

Natera, Inc.
Classification: Uncertain significance for Propionic acidemia. Last evaluated: 2020-09-16. Review status: no assertion criteria provided. Collection method: clinical testing. Allele origin: germline. Not counted in ClinVar's aggregate classification.